The following is an entry in ClinVar:

NM_001384317.1(ZHX3):c.2852G>A (p.Arg951His)

Gene: ZHX3 (zinc fingers and homeoboxes 3; minus strand). Cytogenetic location: 20q12.
Variant type: single nucleotide variant.
Coding change: c.2852G>A on transcript NM_001384317.1 (MANE Select); coding-DNA position 2852, G replaced by A.
Protein change: p.Arg951His; replaces arginine 951 with histidine.
Molecular consequence: missense variant. On other transcripts: intron variant (1).
Genome position (GRCh38, 1-based): chr20:41,202,065, C>T on the plus strand (G>A on the coding strand, the complement: ZHX3 is on the minus strand). VCF-style: chr20-41202065-C-T. GRCh37 (hg19) VCF-style: chr20-39830705-C-T.
Other names: c.2852G>A, p.Arg951His (NM_001384315.1, NM_001384316.1, NM_001384318.1 and 7 more transcripts); c.2634+218G>A (NM_001384324.1); short protein forms R951H.
Identifiers: ClinVar variation 2364557 (VCV002364557.3), dbSNP rs772367479, ClinGen allele CA9859725.

ClinVar aggregate classification (germline): Uncertain significance. Review status: criteria provided, multiple submitters, no conflicts (2 of 4 stars). 2 submissions from 2 submitters: Uncertain significance (2). Last evaluated 2025-05-29.

Allele frequency attached by ClinVar (database versions not stated): ExAC 0.00004; gnomAD 0.00007; gnomAD exomes 0.00008; TOPMed 0.00009.
gnomAD v4.1: 128 of 1,595,996 alleles (0.008%); highest among the groups gnomAD compares: Middle Eastern, 0.067%; no homozygotes.

Submissions (2):

Labcorp Genetics (formerly Invitae), Labcorp
Classification: Uncertain significance. Last evaluated: 2025-05-29. Review status: criteria provided, single submitter. Criteria: Invitae Variant Classification Sherloc (09022015). Collection method: clinical testing. Allele origin: germline.
Comment: This sequence change replaces arginine, which is basic and polar, with histidine, which is basic and polar, at codon 951 of the ZHX3 protein (p.Arg951His). This variant is present in population databases (rs772367479, gnomAD 0.01%). This variant has not been reported in the literature in individuals affected with ZHX3-related conditions. ClinVar contains an entry for this variant (Variation ID: 2364557). An algorithm developed to predict the effect of missense changes on protein structure and function (PolyPhen-2) suggests that this variant is likely to be tolerated. In summary, the available evidence is currently insufficient to determine the role of this variant in disease. Therefore, it has been classified as a Variant of Uncertain Significance.

Ambry Genetics
Classification: Uncertain significance. Last evaluated: 2021-08-09. Review status: criteria provided, single submitter. Criteria: Ambry Variant Classification Scheme 2023. Collection method: clinical testing. Allele origin: germline.